The following is an entry in ClinVar:

NM_000059.4(BRCA2):c.4252A>G (p.Ile1418Val)

Gene: BRCA2 (BRCA2 DNA repair associated; plus strand). Cytogenetic location: 13q13.1.
Variant type: single nucleotide variant.
Coding change: c.4252A>G on transcript NM_000059.4 (MANE Select); coding-DNA position 4252, A replaced by G.
Protein change: p.Ile1418Val; replaces isoleucine 1418 with valine.
Molecular consequence: missense variant.
Genome position (GRCh38, 1-based): chr13:32,338,607, A>G. VCF-style: chr13-32338607-A-G. GRCh37 (hg19) VCF-style: chr13-32912744-A-G.
Other names: short protein forms I1418V.
Identifiers: ClinVar variation 141247 (VCV000141247.21), dbSNP rs143667871, ClinGen allele CA019793.

ClinVar aggregate classification (germline): Conflicting classifications of pathogenicity. Review status: criteria provided, conflicting classifications (1 of 4 stars). 6 submissions from 6 submitters: Uncertain significance (4); Likely benign (2). Last evaluated 2026-01-18.

Conditions:
Hereditary cancer-predisposing syndrome. Also called: Neoplastic Syndromes, Hereditary; Hereditary Cancer Syndrome; Tumor predisposition; Hereditary neoplastic syndrome. Identifiers: Orphanet 140162, MedGen C0027672, MeSH D009386, MONDO:0015356.
Hereditary breast ovarian cancer syndrome. Also called: Hereditary breast and/or ovarian cancer syndrome; Hereditary breast and ovarian cancer syndrome (HBOC); Hereditary breast and ovarian cancer syndrome; Hereditary breast and ovarian cancer; Breast and ovarian cancer; BRCA1- and BRCA2-Associated Hereditary Breast and Ovarian Cancer. Identifiers: Orphanet 145, MedGen C0677776, MeSH D061325, MONDO:0003582. Disease mechanism: loss of function.

Allele frequency attached by ClinVar (database versions not stated): gnomAD exomes below 0.00001; 1000 Genomes Project 30x 0.00016; 1000 Genomes Project 0.00020.
gnomAD v4.1: 4 of 1,596,970 alleles (0.00025%); highest among the groups gnomAD compares: Middle Eastern, 0.017%; no homozygotes.

Submissions (6):

Labcorp Genetics (formerly Invitae), Labcorp
Classification: Uncertain significance for Hereditary breast ovarian cancer syndrome. Last evaluated: 2026-01-18. Review status: criteria provided, single submitter. Criteria: Invitae Variant Classification Sherloc (09022015). Collection method: clinical testing. Allele origin: germline.
Comment: This sequence change replaces isoleucine, which is neutral and non-polar, with valine, which is neutral and non-polar, at codon 1418 of the BRCA2 protein (p.Ile1418Val). This variant is present in population databases (rs143667871, gnomAD 0.0009%). This variant has not been reported in the literature in individuals affected with BRCA2-related conditions. ClinVar contains an entry for this variant (Variation ID: 141247). Invitae Evidence Modeling of protein sequence and biophysical properties (such as structural, functional, and spatial information, amino acid conservation, physicochemical variation, residue mobility, and thermodynamic stability) indicates that this missense variant is not expected to disrupt BRCA2 protein function with a negative predictive value of 95%. In summary, the available evidence is currently insufficient to determine the role of this variant in disease. Therefore, it has been classified as a Variant of Uncertain Significance.

Ambry Genetics
Classification: Likely benign for Hereditary cancer-predisposing syndrome. Last evaluated: 2024-07-10. Review status: criteria provided, single submitter. Criteria: Ambry Variant Classification Scheme 2023. Collection method: clinical testing. Allele origin: germline.

Revvity Omics, Revvity
Classification: Uncertain significance. Last evaluated: 2023-12-20. Review status: criteria provided, single submitter. Criteria: ACMG Guidelines, 2015. Collection method: clinical testing. Allele origin: germline.

Blueprint Genetics
Classification: Uncertain significance. Last evaluated: 2023-03-30. Review status: criteria provided, single submitter. Criteria: ACMG Guidelines, 2015. Collection method: clinical testing. Allele origin: germline.

University of Washington Department of Laboratory Medicine, University of Washington
Classification: Likely benign for Hereditary cancer-predisposing syndrome. Last evaluated: 2023-03-23. Review status: criteria provided, single submitter. Criteria: Dines et al. (Genet Med. 2020). Collection method: curation. Allele origin: germline.
Comment: Missense variant in a coldspot region where missense variants are very unlikely to be pathogenic (PMID:31911673).

BRCA2 exon 11 coldspot. Reclassification based on statistical prior probability.

Color Diagnostics, LLC DBA Color Health
Classification: Uncertain significance for Hereditary cancer-predisposing syndrome. Last evaluated: 2020-10-30. Review status: criteria provided, single submitter. Criteria: ACMG Guidelines, 2015. Collection method: clinical testing. Allele origin: germline.
Comment: This missense variant replaces isoleucine with valine at codon 1418 of the BRCA2 protein. Computational prediction suggests that this variant may not impact protein structure and function (internally defined REVEL score threshold <= 0.5, PMID: 27666373). To our knowledge, functional studies have not been reported for this variant. This variant has not been reported in individuals affected with hereditary cancer in the literature. This variant has been identified in 1/244048 chromosomes in the general population by the Genome Aggregation Database (gnomAD). The available evidence is insufficient to determine the role of this variant in disease conclusively. Therefore, this variant is classified as a Variant of Uncertain Significance.

Literature cited by the submitters: PubMed 31871109 (cited by Ambry Genetics); PubMed 35402282 (cited by Ambry Genetics).